The following is an entry in ClinVar:

NM_001379500.1(COL18A1):c.259C>T (p.Leu87Phe)

Gene: COL18A1 (collagen type XVIII alpha 1 chain; plus strand). Cytogenetic location: 21q22.3.
Variant type: single nucleotide variant.
Coding change: c.259C>T on transcript NM_001379500.1 (MANE Select); coding-DNA position 259, C replaced by T.
Protein change: p.Leu87Phe; replaces leucine 87 with phenylalanine.
Molecular consequence: missense variant.
Genome position (GRCh38, 1-based): chr21:45,468,394, C>T. VCF-style: chr21-45468394-C-T. GRCh37 (hg19) VCF-style: chr21-46888308-C-T.
Other names: c.799C>T, p.Leu267Phe (NM_030582.4); c.1504C>T, p.Leu502Phe (NM_130444.3); short protein forms L267F, L87F, L502F.
Identifiers: ClinVar variation 1420824 (VCV001420824.5), dbSNP rs1191732671, ClinGen allele CA410511678.

ClinVar aggregate classification (germline): Uncertain significance (1 of 4 stars; one submission).

Allele frequency attached by ClinVar (database versions not stated): TOPMed 0.00001.

Submission:

Labcorp Genetics (formerly Invitae), Labcorp
Classification: Uncertain significance. Last evaluated: 2024-08-07. Review status: criteria provided, single submitter. Criteria: Invitae Variant Classification Sherloc (09022015). Collection method: clinical testing. Allele origin: germline.
Comment: This sequence change replaces leucine, which is neutral and non-polar, with phenylalanine, which is neutral and non-polar, at codon 87 of the COL18A1 protein (p.Leu87Phe). This variant is not present in population databases (gnomAD no frequency). This variant has not been reported in the literature in individuals affected with COL18A1-related conditions. ClinVar contains an entry for this variant (Variation ID: 1420824). Experimental studies and prediction algorithms are not available or were not evaluated, and the functional significance of this variant is currently unknown. In summary, the available evidence is currently insufficient to determine the role of this variant in disease. Therefore, it has been classified as a Variant of Uncertain Significance.